The following is an entry in ClinVar:

ClinVar aggregate classification (germline): Uncertain significance (1 of 4 stars; one submission).

Conditions:
Glycogen storage disease IXd (GSD9D). Also called: Muscle Phosphorylase Kinase Deficiency; GSD IXd. Identifiers: Orphanet 715, MedGen C1845151, MONDO:0010362, OMIM 300559.

gnomAD v4.1: 6 of 1,202,971 alleles (0.0005%); highest among the groups gnomAD compares: African/African-American, 0.0087%; no homozygotes.

Submission:

Labcorp Genetics (formerly Invitae), Labcorp
Classification: Uncertain significance for Glycogen storage disease IXd. Last evaluated: 2025-07-23. Review status: criteria provided, single submitter. Criteria: Invitae Variant Classification Sherloc (09022015). Collection method: clinical testing. Allele origin: germline.
Comment: This sequence change replaces alanine, which is neutral and non-polar, with glycine, which is neutral and non-polar, at codon 211 of the PHKA1 protein (p.Ala211Gly). This variant is present in population databases (rs782325662, gnomAD 0.02%). This variant has not been reported in the literature in individuals affected with PHKA1-related conditions. Invitae Evidence Modeling of protein sequence and biophysical properties (such as structural, functional, and spatial information, amino acid conservation, physicochemical variation, residue mobility, and thermodynamic stability) indicates that this missense variant is expected to disrupt PHKA1 protein function with a positive predictive value of 80%. In summary, the available evidence is currently insufficient to determine the role of this variant in disease. Therefore, it has been classified as a Variant of Uncertain Significance.

NM_002637.4(PHKA1):c.632C>G (p.Ala211Gly)

Gene: PHKA1 (phosphorylase kinase regulatory subunit alpha 1; minus strand). Cytogenetic location: Xq13.1.
Variant type: single nucleotide variant.
Coding change: c.632C>G on transcript NM_002637.4 (MANE Select); coding-DNA position 632, C replaced by G.
Protein change: p.Ala211Gly; replaces alanine 211 with glycine.
Molecular consequence: missense variant.
Genome position (GRCh38, 1-based): chrX:72,667,460, G>C on the plus strand (C>G on the coding strand, the complement: PHKA1 is on the minus strand). VCF-style: chrX-72667460-G-C. GRCh37 (hg19) VCF-style: chrX-71887310-G-C.
Other names: c.632C>G, p.Ala211Gly (NM_001122670.2, NM_001172436.2, NM_001431068.1 and 2 more transcripts); short protein forms A211G.
Identifiers: ClinVar variation 4782190 (VCV004782190.1).